The following is an entry in ClinVar:

ClinVar aggregate classification (germline): Likely benign (1 of 4 stars; one submission).

Conditions:
Hereditary diffuse gastric adenocarcinoma (HDGC). Also called: DIFFUSE GASTRIC AND LOBULAR BREAST CANCER SYNDROME. Identifiers: Orphanet 26106, MedGen C1708349, MONDO:0007648, OMIM 137215.

Submission:

Myriad Genetics, Inc.
Classification: Likely benign for Hereditary diffuse gastric adenocarcinoma. Last evaluated: 2024-10-09. Review status: criteria provided, single submitter. Criteria: Myriad Autosomal Dominant, Autosomal Recessive and X-Linked Classification Criteria (2023). Collection method: clinical testing. Allele origin: unknown.
Comment: This variant is considered likely benign. This variant is intronic and is not expected to impact mRNA splicing.

NM_001903.5(CTNNA1):c.302-11C>T

Gene: CTNNA1 (catenin alpha 1; plus strand). Cytogenetic location: 5q31.2.
Variant type: single nucleotide variant.
Coding change: c.302-11C>T on transcript NM_001903.5 (MANE Select); 11 bases into the intron before coding-DNA position 302, C replaced by T.
Molecular consequence: intron variant.
Genome position (GRCh38, 1-based): chr5:138,810,027, C>T. VCF-style: chr5-138810027-C-T. GRCh37 (hg19) VCF-style: chr5-138145716-C-T.
Other names: c.302-11C>T (NM_001323982.2, NM_001323984.2, NM_001290307.3 and 3 more transcripts); c.-5-74C>T (NM_001290310.3); c.-8-11C>T (NM_001290309.3).
Identifiers: ClinVar variation 3773487 (VCV003773487.1).
Genomic context (GRCh38, chr5:138,810,027, plus strand): 5'-ATATTTTTAAAAATGTAGATCAGTTATTTGAGTTCATTCTTGCTGAGTTTGTTTTTCATT[C>T]TGTAAAACAGGTGATTTGATGAAGGCTGCTGCAGGAGAGTTCGCAGATGATCCCTGCTCT-3'